The following is an entry in ClinVar:

NM_001379291.1(BRD4):c.703C>T (p.Gln235Ter)

Gene: BRD4 (bromodomain containing 4; minus strand). Cytogenetic location: 19p13.12.
Variant type: single nucleotide variant.
Coding change: c.703C>T on transcript NM_001379291.1 (MANE Select); coding-DNA position 703, C replaced by T.
Protein change: p.Gln235Ter; replaces glutamine 235 with a stop codon.
Molecular consequence: nonsense.
Genome position (GRCh38, 1-based): chr19:15,265,500, G>A on the plus strand (C>T on the coding strand, the complement: BRD4 is on the minus strand). VCF-style: chr19-15265500-G-A. GRCh37 (hg19) VCF-style: chr19-15376311-G-A.
Other names: c.703C>T, p.Gln235Ter (NM_001330384.2, NM_001379292.1, NM_014299.3 and 1 more transcripts); short protein forms Q235*.
Identifiers: ClinVar variation 3062000 (VCV003062000.1), dbSNP rs752500721, ClinGen allele CA404485118.

ClinVar aggregate classification (germline): Likely pathogenic (1 of 4 stars; one submission).

Conditions:
Mental disorder. Also called: Mental Disorders; Psychiatric disorders. Identifiers: MedGen C0004936, MeSH D001523, MONDO:0005084.

Submission:

SIB Swiss Institute of Bioinformatics
Classification: Likely pathogenic for Mental disorder. Last evaluated: 2024-03-03. Review status: criteria provided, single submitter. Criteria: ACMG Guidelines, 2015. Collection method: curation. Allele origin: unknown. Affected: yes.
Comment: Patient P7 in PMID: 35470444; The following ACMG tags were applied: Absent from controls (or at extremely low frequency if recessive) in gnomAD (PM2). Protein length changes as a result of in-frame deletions/insertions in a nonrepeat region or stop-loss variants (PM4-strong).

Literature cited by the submitters: PubMed 35470444.